The following is an entry in ClinVar:

ClinVar aggregate classification (germline): Uncertain significance (1 of 4 stars; one submission).

Conditions:
Joubert syndrome 14 (JBTS14). Identifiers: MedGen C3280766, MONDO:0013745, OMIM 614424.

Allele frequency attached by ClinVar (database versions not stated): gnomAD exomes below 0.00001.
gnomAD v4.1: 1 of 1,607,172 alleles (0.000062%); highest among the groups gnomAD compares: Non-Finnish European, 0.000085%; no homozygotes.

Submission:

Labcorp Genetics (formerly Invitae), Labcorp
Classification: Uncertain significance for Joubert syndrome 14. Last evaluated: 2022-03-17. Review status: criteria provided, single submitter. Criteria: Invitae Variant Classification Sherloc (09022015). Collection method: clinical testing. Allele origin: germline.
Comment: This sequence change replaces alanine, which is neutral and non-polar, with proline, which is neutral and non-polar, at codon 312 of the TMEM237 protein (p.Ala312Pro). This variant is not present in population databases (gnomAD no frequency). This variant has not been reported in the literature in individuals affected with TMEM237-related conditions. Algorithms developed to predict the effect of missense changes on protein structure and function (SIFT, PolyPhen-2, Align-GVGD) all suggest that this variant is likely to be disruptive. In summary, the available evidence is currently insufficient to determine the role of this variant in disease. Therefore, it has been classified as a Variant of Uncertain Significance.

NM_001044385.3(TMEM237):c.934G>C (p.Ala312Pro)

Gene: TMEM237 (transmembrane protein 237; minus strand). Cytogenetic location: 2q33.1.
Variant type: single nucleotide variant.
Coding change: c.934G>C on transcript NM_001044385.3 (MANE Select); coding-DNA position 934, G replaced by C.
Protein change: p.Ala312Pro; replaces alanine 312 with proline.
Molecular consequence: missense variant.
Genome position (GRCh38, 1-based): chr2:201,628,085, C>G on the plus strand (G>C on the coding strand, the complement: TMEM237 is on the minus strand). VCF-style: chr2-201628085-C-G. GRCh37 (hg19) VCF-style: chr2-202492808-C-G.
Other names: c.910G>C, p.Ala304Pro (NM_152388.4); short protein forms A304P, A312P.
Identifiers: ClinVar variation 1487727 (VCV001487727.6), dbSNP rs2105898403, ClinGen allele CA350306992.